The following is an entry in ClinVar:

NM_000336.3(SCNN1B):c.776+3G>A

Gene: SCNN1B (sodium channel epithelial 1 subunit beta; plus strand). Cytogenetic location: 16p12.2.
Variant type: single nucleotide variant.
Coding change: c.776+3G>A on transcript NM_000336.3 (MANE Select); 3 bases into the intron after coding-DNA position 776, G replaced by A.
Molecular consequence: intron variant.
Genome position (GRCh38, 1-based): chr16:23,355,492, G>A. VCF-style: chr16-23355492-G-A. GRCh37 (hg19) VCF-style: chr16-23366813-G-A.
Other names: c.776+3G>A (NM_001410900.1).
Identifiers: ClinVar variation 3711462 (VCV003711462.3).

ClinVar aggregate classification (germline): Uncertain significance. Review status: criteria provided, multiple submitters, no conflicts (2 of 4 stars). 2 submissions from 2 submitters: Uncertain significance (2). Last evaluated 2025-06-13.

gnomAD v4.1: 18 of 1,613,832 alleles (0.0011%); highest among the groups gnomAD compares: Admixed American, 0.0017%; no homozygotes.

Submissions (2):

Women's Health and Genetics/Laboratory Corporation of America, LabCorp
Classification: Uncertain significance. Last evaluated: 2025-06-13. Review status: criteria provided, single submitter. Criteria: LabCorp Variant Classification Summary - May 2015. Collection method: clinical testing. Allele origin: germline.
Comment: Variant summary: SCNN1B c.776+3G>A alters a non-conserved nucleotide located close to a canonical splice site and therefore could affect mRNA splicing, leading to a significantly altered protein sequence. Consensus agreement among computation tools predict no significant impact on normal splicing. However, these predictions have yet to be confirmed by functional studies. The variant allele was found at a frequency of 1.2e-05 in 249954 control chromosomes. The available data on variant occurrences in the general population are insufficient to allow any conclusion about variant significance. To our knowledge, no occurrence of c.776+3G>A in individuals affected with SCNN1B-Related Disorders and no experimental evidence demonstrating its impact on protein function have been reported. ClinVar contains an entry for this variant (Variation ID: 3711462). Based on the evidence outlined above, the variant was classified as uncertain significance.

Labcorp Genetics (formerly Invitae), Labcorp
Classification: Uncertain significance. Last evaluated: 2024-12-26. Review status: criteria provided, single submitter. Criteria: Invitae Variant Classification Sherloc (09022015). Collection method: clinical testing. Allele origin: germline.
Comment: This sequence change falls in intron 4 of the SCNN1B gene. It does not directly change the encoded amino acid sequence of the SCNN1B protein. It affects a nucleotide within the consensus splice site. This variant is present in population databases (rs764585786, gnomAD 0.003%). This variant has not been reported in the literature in individuals affected with SCNN1B-related conditions. Variants that disrupt the consensus splice site are a relatively common cause of aberrant splicing (PMID: 17576681, 9536098). Algorithms developed to predict the effect of sequence changes on RNA splicing suggest that this variant is not likely to affect RNA splicing. In summary, the available evidence is currently insufficient to determine the role of this variant in disease. Therefore, it has been classified as a Variant of Uncertain Significance.

Literature cited by the submitters: PubMed 17576681 (cited by Labcorp Genetics (formerly Invitae), Labcorp); PubMed 9536098 (cited by Labcorp Genetics (formerly Invitae), Labcorp).